The following is an entry in ClinVar:

ClinVar aggregate classification (germline): Likely benign. Review status: criteria provided, multiple submitters, no conflicts (2 of 4 stars). 2 submissions from 2 submitters: Likely benign (2). Last evaluated 2026-01-21.

Conditions:
Developmental and epileptic encephalopathy, 30 (DEE30). Also called: Epileptic encephalopathy, early infantile, 30. Identifiers: MedGen C4225360, MONDO:0014595, OMIM 616341.

Allele frequency attached by ClinVar (database versions not stated): ESP Exome Variant Server 0.00038.

Submissions (2):

Labcorp Genetics (formerly Invitae), Labcorp
Classification: Likely benign for Developmental and epileptic encephalopathy, 30. Last evaluated: 2026-01-21. Review status: criteria provided, single submitter. Criteria: Invitae Variant Classification Sherloc (09022015). Collection method: clinical testing. Allele origin: germline.

CeGaT Center for Human Genetics Tuebingen
Classification: Likely benign. Last evaluated: 2025-12-01. Review status: criteria provided, single submitter. Criteria: CeGaT Center For Human Genetics Tuebingen Variant Classification Criteria Version 2. Collection method: clinical testing. Allele origin: germline. Affected: yes. Observed: 1 variant allele.
Comment: SIK1: BP4

NM_173354.5(SIK1):c.1463-5C>G

Gene: SIK1 (salt inducible kinase 1; minus strand). Cytogenetic location: 21q22.3.
Variant type: single nucleotide variant.
Coding change: c.1463-5C>G on transcript NM_173354.5 (MANE Select); 5 bases into the intron before coding-DNA position 1463, C replaced by G.
Molecular consequence: intron variant.
Genome position (GRCh38, 1-based): chr21:43,418,546, G>C on the plus strand (C>G on the coding strand, the complement: SIK1 is on the minus strand). VCF-style: chr21-43418546-G-C. GRCh37 (hg19) VCF-style: chr21-44838426-G-C.
Identifiers: ClinVar variation 542728 (VCV000542728.17), dbSNP rs375664122, ClinGen allele CA321325564.
Genomic context (GRCh38, chr21:43,418,546, plus strand): 5'-GTCAGAGCTGGTTCCCTCTGCAGGACTTGCCGTGGTGGAGGGGGAGACGACTATACCTGT[G>C]GGGGGAGGACAGCGCTTTTGATGCTGCAGTGCAAAGGAATAGGCTCCCCCGGCCACTGCT-3'